The following is an entry in ClinVar:

NC_000007.14:g.(?_150946867)_(150947888_?)del

Gene: KCNH2 (potassium voltage-gated channel subfamily H member 2; minus strand). Cytogenetic location: 7q36.1.
Variant type: Deletion.
Identifiers: ClinVar variation 832105 (VCV000832105.6).

ClinVar aggregate classification (germline): Uncertain significance (1 of 4 stars; one submission).

Conditions:
Long QT syndrome (LQTS). Identifiers: MedGen C0023976, MeSH D008133, MONDO:0002442. Disease mechanism: loss of function. Inheritance: Various modes of inheritance.

Submission:

Labcorp Genetics (formerly Invitae), Labcorp
Classification: Uncertain significance for Long QT syndrome. Last evaluated: 2019-02-21. Review status: criteria provided, single submitter. Criteria: Invitae Variant Classification Sherloc (09022015). Collection method: clinical testing. Allele origin: germline.
Comment: Experimental studies and prediction algorithms are not available for this variant, and the functional significance of the affected amino acid(s) is currently unknown. In summary, the available evidence is currently insufficient to determine the role of this variant in disease. Therefore, it has been classified as a Variant of Uncertain Significance. This variant has not been reported in the literature in individuals with KCNH2-related conditions. This variant is a sub-genic deletion of the genomic region encompassing exons 12-14 of the KCNH2 gene. While this deletion is not anticipated to result in nonsense mediated decay, it is expected to create a truncated protein product.